The following is an entry in ClinVar:

ClinVar aggregate classification (germline): Uncertain significance. Review status: criteria provided, multiple submitters, no conflicts (2 of 4 stars). 2 submissions from 2 submitters: Uncertain significance (2). Last evaluated 2024-05-24.

Conditions:
Arrhythmogenic cardiomyopathy with wooly hair and keratoderma. Also called: PALMOPLANTAR KERATODERMA WITH LEFT VENTRICULAR CARDIOMYOPATHY AND WOOLLY HAIR; Carvajal syndrome; Dilated cardiomyopathy with woolly hair and keratoderma; Arrhythmogenic cardiomyopathy with woolly hair and keratoderma. Identifiers: Orphanet 65282, MedGen C1854063, MONDO:0011581, OMIM 605676.
Arrhythmogenic right ventricular dysplasia 8 (ARVD8). Also called: Arrhythmogenic Right Ventricular Dysplasia/Cardiomyopathy 8; ARRHYTHMOGENIC RIGHT VENTRICULAR DYSPLASIA, FAMILIAL, 8; ARRHYTHMOGENIC RIGHT VENTRICULAR CARDIOMYOPATHY 8. Identifiers: MedGen C1843896, MONDO:0011831, OMIM 607450.

Allele frequency attached by ClinVar (database versions not stated): gnomAD exomes below 0.00001.

Submissions (2):

GeneDx
Classification: Uncertain significance. Last evaluated: 2024-05-24. Review status: criteria provided, single submitter. Criteria: GeneDx Variant Classification Process June 2021. Collection method: clinical testing. Allele origin: germline. Affected: yes.
Comment: Not observed at significant frequency in large population cohorts (gnomAD); In silico analysis supports that this missense variant does not alter protein structure/function; Has not been previously published as pathogenic or benign to our knowledge

Labcorp Genetics (formerly Invitae), Labcorp
Classification: Uncertain significance for Arrhythmogenic cardiomyopathy with wooly hair and keratoderma; Arrhythmogenic right ventricular dysplasia 8. Last evaluated: 2023-12-06. Review status: criteria provided, single submitter. Criteria: Invitae Variant Classification Sherloc (09022015). Collection method: clinical testing. Allele origin: germline.
Comment: This sequence change replaces glycine, which is neutral and non-polar, with alanine, which is neutral and non-polar, at codon 6 of the DSP protein (p.Gly6Ala). This variant is not present in population databases (gnomAD no frequency). This variant has not been reported in the literature in individuals affected with DSP-related conditions. ClinVar contains an entry for this variant (Variation ID: 1497522). An algorithm developed to predict the effect of missense changes on protein structure and function (PolyPhen-2) suggests that this variant is likely to be tolerated. In summary, the available evidence is currently insufficient to determine the role of this variant in disease. Therefore, it has been classified as a Variant of Uncertain Significance.

NM_004415.4(DSP):c.17G>C (p.Gly6Ala)

Genes: DSP (desmoplakin; plus strand), DSP-AS1 (DSP antisense RNA 1; minus strand). Cytogenetic location: 6p24.3.
Variant type: single nucleotide variant.
Coding change: c.17G>C on transcript NM_004415.4 (MANE Select); coding-DNA position 17, G replaced by C.
Protein change: p.Gly6Ala; replaces glycine 6 with alanine.
Molecular consequence: missense variant.
Genome position (GRCh38, 1-based): chr6:7,541,932, G>C. VCF-style: chr6-7541932-G-C. GRCh37 (hg19) VCF-style: chr6-7542165-G-C.
Other names: c.17G>C (NM_004415.2); c.17G>C, p.Gly6Ala (NM_001008844.3, NM_001319034.2); short protein forms G6A.
Identifiers: ClinVar variation 1497522 (VCV001497522.10), dbSNP rs1339636876, ClinGen allele CA362675450.